The following is an entry in ClinVar:

ClinVar aggregate classification (germline): Likely pathogenic (1 of 4 stars; one submission).

Conditions:
Fanconi anemia (FA). Also called: Fanconi's anemia. Identifiers: Orphanet 84, MedGen C0015625, MeSH D005199, MONDO:0019391.

Submission:

Natera, Inc.
Classification: Likely pathogenic for Fanconi anemia. Last evaluated: 2024-09-19. Review status: criteria provided, single submitter. Criteria: Natera Variant Classification Schema (03/2026). Collection method: clinical testing. Allele origin: germline.
Comment: The c.1464del variant in FANCC is a frameshift variant predicted to shift the reading frame beginning at codon 488 and leads to a stop codon 24 codons downstream. This variant is expected to result in nonsense mediated decay, truncation, or a dysfunctional protein product. This variant is rare in the general population with a frequency below the threshold expected for the associated phenotype(s). Given the available evidence, this variant is classified as Likely Pathogenic.

NM_000136.3(FANCC):c.1464del (p.Arg488fs)

Genes: AOPEP (aminopeptidase O (putative); plus strand), FANCC (FA complementation group C; minus strand). Cytogenetic location: 9q22.32.
Variant type: Deletion.
Coding change: c.1464del on transcript NM_000136.3 (MANE Select); coding-DNA position 1464, one base deleted (G; older notation c.1464delG).
Protein change: p.Arg488fs; shifts the reading frame from arginine 488.
Molecular consequence: frameshift variant.
Genome position (GRCh38, 1-based): chr9:95,107,135, C deleted on the plus strand (G on the coding strand, the reverse complement: FANCC is on the minus strand); the first of 2 consecutive C bases (chr9:95,107,135-95,107,136); deleting either gives the same sequence. VCF-style (leftmost placement, unchanged base first): chr9-95107134-GC-G. GRCh37 (hg19) VCF-style: chr9-97869416-GC-G.
Other names: c.1463delG, p.Arg488Serfs (NM_000136.2); c.1464del, p.Arg488fs (NM_001243743.2); short protein forms R488fs.
Identifiers: ClinVar variation 4817546 (VCV004817546.1).
Genomic context (GRCh38, chr9:95,107,134, plus strand): 5'-TGACATCCCAGGCGATCGTGTGGCCTCCAGGAGCCCAGAGCAGGAAGTTGAGGAGAAGGT[GC>G]CTGATCAGCTGTTGTGCAGGAGCTCTGAGGTCTGTGTCTGTGCCCTGTCCTGCTACCGTC-3'